The following is an entry in ClinVar:

ClinVar aggregate classification (germline): Uncertain significance (1 of 4 stars; one submission).

Conditions:
Hereditary sensory and autonomic neuropathy type 6. Also called: HSAN VI; Neuropathy, hereditary sensory and autonomic, type VI. Identifiers: Orphanet 314381, MedGen C3539003, MONDO:0013839, OMIM 614653.
Epidermolysis bullosa simplex 3, localized or generalized intermediate, with BP230 deficiency (EBS3). Also called: Epidermolysis bullosa simplex, autosomal recessive 2; Epidermolysis bullosa simplex due to BP230 deficiency. Identifiers: Orphanet 412181, MedGen C3809470, MONDO:0014180, OMIM 615425.

Allele frequency attached by ClinVar (database versions not stated): TOPMed below 0.00001.

Submission:

Labcorp Genetics (formerly Invitae), Labcorp
Classification: Uncertain significance for Epidermolysis bullosa simplex 3, localized or generalized intermediate, with BP230 deficiency; Hereditary sensory and autonomic neuropathy type 6. Last evaluated: 2022-07-15. Review status: criteria provided, single submitter. Criteria: Invitae Variant Classification Sherloc (09022015). Collection method: clinical testing. Allele origin: germline.
Comment: In summary, the available evidence is currently insufficient to determine the role of this variant in disease. Therefore, it has been classified as a Variant of Uncertain Significance. Algorithms developed to predict the effect of missense changes on protein structure and function are either unavailable or do not agree on the potential impact of this missense change (SIFT: "Tolerated"; PolyPhen-2: "Possibly Damaging"; Align-GVGD: "Class C0"). This variant has not been reported in the literature in individuals affected with DST-related conditions. This variant is not present in population databases (gnomAD no frequency). This sequence change replaces glutamic acid, which is acidic and polar, with glycine, which is neutral and non-polar, at codon 1158 of the DST protein (p.Glu1158Gly).

NM_001723.7(DST):c.3473A>G (p.Glu1158Gly)

Gene: DST (dystonin; minus strand). Cytogenetic location: 6p12.1.
Variant type: single nucleotide variant.
Coding change: c.3473A>G on transcript NM_001723.7 (MANE Plus Clinical); coding-DNA position 3473, A replaced by G.
Protein change: p.Glu1158Gly; replaces glutamic acid 1158 with glycine.
Molecular consequence: missense variant. On other transcripts: intron variant (10).
Genome position (GRCh38, 1-based): chr6:56,620,561, T>C on the plus strand (A>G on the coding strand, the complement: DST is on the minus strand). VCF-style: chr6-56620561-T-C. GRCh37 (hg19) VCF-style: chr6-56485359-T-C.
Other names: c.4830+3969A>G (NM_001144769.5); c.4929+3969A>G (NM_001374722.1, NM_001374736.1); c.4956+3969A>G (NM_001374734.1); c.4416+3969A>G (NM_001144770.2); c.4296+3969A>G (NM_001374730.1, NM_001386100.1, NM_183380.4 and 1 more transcripts); c.3318+3969A>G (NM_015548.5); short protein forms E1158G.
Identifiers: ClinVar variation 2091796 (VCV002091796.4), dbSNP rs2098681079, ClinGen allele CA364571831.